The following is an entry in ClinVar:

NM_000245.4(MET):c.1046G>A (p.Ser349Asn)

Gene: MET (MET proto-oncogene, receptor tyrosine kinase; plus strand). Cytogenetic location: 7q31.2.
Variant type: single nucleotide variant.
Coding change: c.1046G>A on transcript NM_000245.4 (MANE Select); coding-DNA position 1046, G replaced by A.
Protein change: p.Ser349Asn; replaces serine 349 with asparagine.
Molecular consequence: missense variant. On other transcripts: intron variant (1).
Genome position (GRCh38, 1-based): chr7:116,700,130, G>A. VCF-style: chr7-116700130-G-A. GRCh37 (hg19) VCF-style: chr7-116340184-G-A.
Other names: c.1046G>A, p.Ser349Asn (NM_001127500.3, NM_001324401.3); c.-91+27553G>A (NM_001324402.2); short protein forms S349N.
Identifiers: ClinVar variation 822043 (VCV000822043.14), dbSNP rs1584878246, ClinGen allele CA368970421.

ClinVar aggregate classification (germline): Conflicting classifications of pathogenicity. Review status: criteria provided, conflicting classifications (1 of 4 stars). 3 submissions from 3 submitters: Uncertain significance (2); Likely benign (1). Last evaluated 2025-04-14.

Conditions:
Hereditary cancer-predisposing syndrome. Also called: Tumor predisposition; Hereditary Cancer Syndrome; Neoplastic Syndromes, Hereditary; Hereditary neoplastic syndrome. Identifiers: Orphanet 140162, MedGen C0027672, MeSH D009386, MONDO:0015356.
Renal cell carcinoma. Identifiers: Orphanet 217071, MedGen C0007134, MeSH D002292, MONDO:0005086, HP:0005584.
Autosomal recessive nonsyndromic hearing loss 97. Also called: Deafness, autosomal recessive 97. Identifiers: Orphanet 90636, MedGen C4084709, MONDO:0014739, OMIM 616705.

Allele frequency attached by ClinVar (database versions not stated): gnomAD exomes below 0.00001.
gnomAD v4.1: 4 of 1,602,724 alleles (0.00025%); highest among the groups gnomAD compares: Middle Eastern, 0.017%; no homozygotes.

Submissions (3):

Labcorp Genetics (formerly Invitae), Labcorp
Classification: Uncertain significance for Renal cell carcinoma. Last evaluated: 2025-04-14. Review status: criteria provided, single submitter. Criteria: Invitae Variant Classification Sherloc (09022015). Collection method: clinical testing. Allele origin: germline.
Comment: This sequence change replaces serine, which is neutral and polar, with asparagine, which is neutral and polar, at codon 349 of the MET protein (p.Ser349Asn). This variant is not present in population databases (gnomAD no frequency). This variant has not been reported in the literature in individuals affected with MET-related conditions. ClinVar contains an entry for this variant (Variation ID: 822043). Invitae Evidence Modeling of protein sequence and biophysical properties (such as structural, functional, and spatial information, amino acid conservation, physicochemical variation, residue mobility, and thermodynamic stability) has been performed for this missense variant. However, the output from this modeling did not meet the statistical confidence thresholds required to predict the impact of this variant on MET protein function. In summary, the available evidence is currently insufficient to determine the role of this variant in disease. Therefore, it has been classified as a Variant of Uncertain Significance.

Ambry Genetics
Classification: Likely benign for Hereditary cancer-predisposing syndrome. Last evaluated: 2024-09-10. Review status: criteria provided, single submitter. Criteria: Ambry Variant Classification Scheme 2023. Collection method: clinical testing. Allele origin: germline.

Baylor Genetics
Classification: Uncertain significance for Autosomal recessive nonsyndromic hearing loss 97. Last evaluated: 2024-03-28. Review status: criteria provided, single submitter. Criteria: ACMG Guidelines, 2015. Collection method: clinical testing. Allele origin: unknown.